The following is an entry in ClinVar:

ClinVar aggregate classification (germline): Likely pathogenic (1 of 4 stars; one submission).

Conditions:
Hemolytic uremic syndrome, atypical, susceptibility to, 1. Also called: AHUS, SUSCEPTIBILITY TO, 1. Identifiers: Orphanet 2134, Orphanet 90038, MedGen C2749604, MONDO:0009335, OMIM 235400. Disease mechanism: Other.

Submissions (2):

Clinical Research Development Center, Iran University of Medical Sciences (IUMS)
Classification: Likely pathogenic for Hemolytic uremic syndrome, atypical, susceptibility to, 1. Last evaluated: 2026-06-28. Review status: criteria provided, single submitter. Criteria: ACMG Guidelines, 2015. Collection method: clinical testing. Allele origin: germline. Inheritance: Autosomal recessive inheritance. Affected: yes.
Comment: The c.2783-2A>T variant in CFH gene was absent from large population studies (PM2). It is a null variant in a gene where loss of function is a known mechanism of disease; so, it results in an absent or disrupted protein product (PVS1).

Dr. Peter K. Rogan Lab, Western University
No classification provided (evidence only). Condition: Malignant tumor of urinary bladder. Review status: no classification provided. Collection method: in vitro. Allele origin: not applicable. Functional consequence: skipped exon, retained intron. Not counted in ClinVar's aggregate classification.

Literature cited by the submitters: PubMed 33784485 (cited by Clinical Research Development Center, Iran University of Medical Sciences (IUMS)).

NM_000186.4(CFH):c.2783-2A>T

Gene: CFH (complement factor H; plus strand). Cytogenetic location: 1q31.3.
Variant type: single nucleotide variant.
Coding change: c.2783-2A>T on transcript NM_000186.4 (MANE Select); the canonical splice acceptor site of the intron before coding-DNA position 2783, A replaced by T.
Molecular consequence: splice acceptor variant.
Genome position (GRCh38, 1-based): chr1:196,740,617, A>T. VCF-style: chr1-196740617-A-T. GRCh37 (hg19) VCF-style: chr1-196709747-A-T.
Other names: NC_000001.10:g.196709747A>T.
Identifiers: ClinVar variation 4339709 (VCV004339709.2).